The following is an entry in ClinVar:

NM_198506.5(LRIT3):c.1894_1895delinsGG (p.Leu632Gly)

Gene: LRIT3 (leucine rich repeat, Ig-like and transmembrane domains 3; plus strand). Cytogenetic location: 4q25.
Variant type: Indel.
Coding change: c.1894_1895delinsGG on transcript NM_198506.5 (MANE Select); coding-DNA positions 1894 to 1895, CT replaced by GG.
Protein change: p.Leu632Gly; replaces leucine 632 with glycine.
Molecular consequence: missense variant.
Genome position (GRCh38, 1-based): chr4:109,870,643-109,870,644, CT replaced by GG. VCF-style: chr4-109870643-CT-GG. GRCh37 (hg19) VCF-style: chr4-110791799-CT-GG.
Other names: short protein forms L632G.
Identifiers: ClinVar variation 2118819 (VCV002118819.4), dbSNP rs2545590499, ClinGen allele CA2580071495.

ClinVar aggregate classification (germline): Uncertain significance (1 of 4 stars; one submission).

Submission:

Labcorp Genetics (formerly Invitae), Labcorp
Classification: Uncertain significance. Last evaluated: 2022-03-28. Review status: criteria provided, single submitter. Criteria: Invitae Variant Classification Sherloc (09022015). Collection method: clinical testing. Allele origin: germline.
Comment: This sequence change replaces leucine, which is neutral and non-polar, with glycine, which is neutral and non-polar, at codon 632 of the LRIT3 protein (p.Leu632Gly). Information on the frequency of this variant in the gnomAD database is not available, as this variant may be reported differently in the database. This variant has not been reported in the literature in individuals affected with LRIT3-related conditions. Algorithms developed to predict the effect of missense changes on protein structure and function are either unavailable or do not agree on the potential impact of this missense change (SIFT: "Not Available"; PolyPhen-2: "Probably Damaging"; Align-GVGD: "Not Available"). In summary, the available evidence is currently insufficient to determine the role of this variant in disease. Therefore, it has been classified as a Variant of Uncertain Significance.